The following is an entry in ClinVar:

NM_007208.4(MRPL3):c.369+204G>A

Gene: MRPL3 (mitochondrial ribosomal protein L3; minus strand). Cytogenetic location: 3q22.1.
Variant type: single nucleotide variant.
Coding change: c.369+204G>A on transcript NM_007208.4 (MANE Select); 204 bases into the intron after coding-DNA position 369, G replaced by A.
Molecular consequence: intron variant.
Genome position (GRCh38, 1-based): chr3:131,500,226, C>T on the plus strand (G>A on the coding strand, the complement: MRPL3 is on the minus strand). VCF-style: chr3-131500226-C-T. GRCh37 (hg19) VCF-style: chr3-131219070-C-T.
Identifiers: ClinVar variation 678512 (VCV000678512.1), dbSNP rs9289390, ClinGen allele CA15262198.

ClinVar aggregate classification (germline): Benign (1 of 4 stars; one submission).

Allele frequency attached by ClinVar (database versions not stated): 1000 Genomes Project 0.44209; 1000 Genomes Project 30x 0.44597; TOPMed 0.53150; gnomAD 0.55271 and 0.55492.
gnomAD v4.1: 84,171 of 152,038 alleles (55%); highest among the groups gnomAD compares: Middle Eastern, 72%; 24,754 homozygotes.

Submission:

GeneDx
Classification: Benign. Last evaluated: 2018-06-14. Review status: criteria provided, single submitter. Criteria: GeneDx Variant Classification (06012015). Collection method: clinical testing. Allele origin: germline. Affected: yes.
Comment: This variant is considered likely benign or benign based on one or more of the following criteria: it is a conservative change, it occurs at a poorly conserved position in the protein, it is predicted to be benign by multiple in silico algorithms, and/or has population frequency not consistent with disease.